The following is an entry in ClinVar:

ClinVar aggregate classification (germline): Uncertain significance (1 of 4 stars; one submission).

Conditions:
Congenital disorder of glycosylation type Ir (CDG1R). Also called: DDOST-congenital disorder of glycosylation. Identifiers: Orphanet 300536, MedGen C3281084, MONDO:0013789, OMIM 614507.

Allele frequency attached by ClinVar (database versions not stated): gnomAD exomes 0.00008 and 0.00014; ExAC 0.00018; ESP Exome Variant Server 0.00038; gnomAD 0.00050 and 0.00054; TOPMed 0.00052; 1000 Genomes Project 0.00100; 1000 Genomes Project 30x 0.00109.
gnomAD v4.1: 204 of 1,613,826 alleles (0.013%); highest among the groups gnomAD compares: African/African-American, 0.19%; 2 homozygotes.

Submission:

Labcorp Genetics (formerly Invitae), Labcorp
Classification: Uncertain significance for Congenital disorder of glycosylation type Ir. Last evaluated: 2025-07-16. Review status: criteria provided, single submitter. Criteria: Invitae Variant Classification Sherloc (09022015). Collection method: clinical testing. Allele origin: germline.
Comment: This sequence change replaces arginine, which is basic and polar, with tryptophan, which is neutral and slightly polar, at codon 65 of the DDOST protein (p.Arg65Trp). This variant is present in population databases (rs140409217, gnomAD 0.1%), and has an allele count higher than expected for a pathogenic variant. This variant has not been reported in the literature in individuals affected with DDOST-related conditions. ClinVar contains an entry for this variant (Variation ID: 1056150). Invitae Evidence Modeling of protein sequence and biophysical properties (such as structural, functional, and spatial information, amino acid conservation, physicochemical variation, residue mobility, and thermodynamic stability) has been performed for this missense variant. However, the output from this modeling did not meet the statistical confidence thresholds required to predict the impact of this variant on DDOST protein function. In summary, the available evidence is currently insufficient to determine the role of this variant in disease. Therefore, it has been classified as a Variant of Uncertain Significance.

NM_005216.5(DDOST):c.142C>T (p.Arg48Trp)

Gene: DDOST (dolichyl-diphosphooligosaccharide--protein glycosyltransferase non-catalytic subunit; minus strand). Cytogenetic location: 1p36.12.
Variant type: single nucleotide variant.
Coding change: c.142C>T on transcript NM_005216.5 (MANE Select); coding-DNA position 142, C replaced by T.
Protein change: p.Arg48Trp; replaces arginine 48 with tryptophan.
Molecular consequence: missense variant.
Genome position (GRCh38, 1-based): chr1:20,661,209, G>A on the plus strand (C>T on the coding strand, the complement: DDOST is on the minus strand). VCF-style: chr1-20661209-G-A. GRCh37 (hg19) VCF-style: chr1-20987702-G-A.
Other names: short protein forms R48W.
Identifiers: ClinVar variation 1056150 (VCV001056150.7), dbSNP rs140409217, ClinGen allele CA661361.